The following is an entry in ClinVar:

ClinVar aggregate classification (germline): Likely benign. Review status: criteria provided, multiple submitters, no conflicts (2 of 4 stars). 2 submissions from 2 submitters: Likely benign (2). Last evaluated 2024-06-24.

Conditions:
Familial cancer of breast. Also called: hereditary breast carcinoma; BREAST CANCER, FAMILIAL; Hereditary breast cancer. Identifiers: Orphanet 227535, MedGen C0346153, MONDO:0016419, OMIM 114480. Disease mechanism: loss of function.
Ataxia-telangiectasia syndrome (AT). Also called: AT, COMPLEMENTATION GROUP C; Ataxia-telangiectasia, complementation group D; ATAXIA-TELANGIECTASIA, COMPLEMENTATION GROUP A; ATAXIA-TELANGIECTASIA, FRESNO VARIANT; Ataxia-telangiectasia; Ataxia-telangiectasia, complementation group E. Identifiers: Orphanet 100, MedGen C0004135, MONDO:0008840, OMIM 208900.

Submissions (2):

Myriad Genetics, Inc.
Classification: Likely benign for Familial cancer of breast. Last evaluated: 2024-06-24. Review status: criteria provided, single submitter. Criteria: Myriad Autosomal Dominant, Autosomal Recessive and X-Linked Classification Criteria (2023). Collection method: clinical testing. Allele origin: unknown.
Comment: This variant is considered likely benign. This variant is intronic and is not expected to impact mRNA splicing.

Labcorp Genetics (formerly Invitae), Labcorp
Classification: Likely benign for Ataxia-telangiectasia syndrome. Last evaluated: 2024-05-29. Review status: criteria provided, single submitter. Criteria: Invitae Variant Classification Sherloc (09022015). Collection method: clinical testing. Allele origin: germline.

NM_000051.4(ATM):c.8988-14_8988-13del

Genes: ATM (ATM serine/threonine kinase; plus strand), C11orf65 (chromosome 11 open reading frame 65; minus strand). Cytogenetic location: 11q22.3.
Variant type: Microsatellite.
Coding change: c.8988-14_8988-13del on transcript NM_000051.4 (MANE Select); 14 bases into the intron before coding-DNA position 8988 through 13 bases into the intron before coding-DNA position 8988, 2 bases deleted (GT; older notation c.8988-14_8988-13delGT).
Molecular consequence: intron variant.
Genome position (GRCh38, 1-based): chr11:108,365,311-108,365,312, GT deleted; deleting any 2 consecutive bases within chr11:108,365,308-108,365,312 gives the same sequence; the c. name uses the placement nearest the transcript's 3' end. VCF-style (leftmost placement, unchanged base first): chr11-108365307-TTG-T. GRCh37 (hg19) VCF-style: chr11-108236034-TTG-T.
Other names: c.8988-14_8988-13del (NM_001351834.2); c.640+20611_640+20612del (NM_001330368.2); c.694+20611_694+20612del (NM_001351110.2).
Identifiers: ClinVar variation 3254021 (VCV003254021.3), dbSNP rs2547681222.